The following is an entry in ClinVar:

NM_032043.3(BRIP1):c.2475A>C (p.Leu825Phe)

Gene: BRIP1 (BRCA1 interacting DNA helicase 1; minus strand). Cytogenetic location: 17q23.2.
Variant type: single nucleotide variant.
Coding change: c.2475A>C on transcript NM_032043.3 (MANE Select); coding-DNA position 2475, A replaced by C.
Protein change: p.Leu825Phe; replaces leucine 825 with phenylalanine.
Molecular consequence: missense variant.
Genome position (GRCh38, 1-based): chr17:61,715,968, T>G on the plus strand (A>C on the coding strand, the complement: BRIP1 is on the minus strand). VCF-style: chr17-61715968-T-G. GRCh37 (hg19) VCF-style: chr17-59793329-T-G.
Other names: short protein forms L825F.
Identifiers: ClinVar variation 1172054 (VCV001172054.3), dbSNP rs2144379543, ClinGen allele CA400479451.

ClinVar aggregate classification (germline): Uncertain significance (1 of 4 stars; one submission).

Conditions:
Hereditary cancer-predisposing syndrome. Also called: Tumor predisposition; Hereditary neoplastic syndrome; Hereditary Cancer Syndrome; Neoplastic Syndromes, Hereditary. Identifiers: Orphanet 140162, MedGen C0027672, MeSH D009386, MONDO:0015356.

Submission:

Color Diagnostics, LLC DBA Color Health
Classification: Uncertain significance for Hereditary cancer-predisposing syndrome. Last evaluated: 2024-03-06. Review status: criteria provided, single submitter. Criteria: ACMG Guidelines, 2015. Collection method: clinical testing. Allele origin: germline.
Comment: This missense variant replaces leucine with phenylalanine at codon 825 of the BRIP1 protein. Computational prediction suggests that this variant may have deleterious impact on protein structure and function (internally defined REVEL score threshold >= 0.7, PMID: 27666373). To our knowledge, functional studies have not been reported for this variant. This variant has not been reported in individuals affected with hereditary cancer in the literature. This variant has not been identified in the general population by the Genome Aggregation Database (gnomAD). The available evidence is insufficient to determine the role of this variant in disease conclusively. Therefore, this variant is classified as a Variant of Uncertain Significance.